The following is an entry in ClinVar:

NM_012193.4(FZD4):c.348A>C (p.Pro116=)

Genes: FZD4 (frizzled class receptor 4; minus strand), PRSS23 (serine protease 23; plus strand). Cytogenetic location: 11q14.2.
Variant type: single nucleotide variant.
Coding change: c.348A>C on transcript NM_012193.4 (MANE Select); coding-DNA position 348, A replaced by C.
Protein change: p.Pro116=; no amino-acid change (proline 116 retained).
Molecular consequence: synonymous variant. On other transcripts: non-coding transcript variant (2).
Genome position (GRCh38, 1-based): chr11:86,952,408, T>G on the plus strand (A>C on the coding strand, the complement: FZD4 is on the minus strand). VCF-style: chr11-86952408-T-G. GRCh37 (hg19) VCF-style: chr11-86663450-T-G.
Other names: c.348A>C (NM_012193.3).
Identifiers: ClinVar variation 1101231 (VCV001101231.12), dbSNP rs144036448, ClinGen allele CA6218476.

ClinVar aggregate classification (germline): Likely benign. Review status: criteria provided, multiple submitters, no conflicts (2 of 4 stars). 3 submissions from 3 submitters: Likely benign (2). 1 of the submissions does not count toward it. Last evaluated 2026-01-24.

Conditions:
FZD4-related disorder. Also called: FZD4-related condition.

Allele frequency attached by ClinVar (database versions not stated): ExAC 0.00002; gnomAD exomes 0.00003; ESP Exome Variant Server 0.00015.
gnomAD v4.1: 32 of 1,614,148 alleles (0.002%); highest among the groups gnomAD compares: African/African-American, 0.039%; no homozygotes.

Submissions (3):

Labcorp Genetics (formerly Invitae), Labcorp
Classification: Likely benign. Last evaluated: 2026-01-24. Review status: criteria provided, single submitter. Criteria: Invitae Variant Classification Sherloc (09022015). Collection method: clinical testing. Allele origin: germline.

Blueprint Genetics
Classification: Likely benign. Last evaluated: 2022-11-28. Review status: criteria provided, single submitter. Criteria: ACMG Guidelines, 2015. Collection method: clinical testing. Allele origin: germline.

PreventionGenetics, part of Exact Sciences
Classification: Likely benign for FZD4-related condition. Last evaluated: 2023-07-21. Review status: no assertion criteria provided. Collection method: clinical testing. Allele origin: germline. Not counted in ClinVar's aggregate classification.
Comment: This variant is classified as likely benign based on ACMG/AMP sequence variant interpretation guidelines (Richards et al. 2015 PMID: 25741868, with internal and published modifications).